The following is an entry in ClinVar:

NM_001144967.3(NEDD4L):c.2453A>T (p.Asn818Ile)

Gene: NEDD4L (NEDD4 like E3 ubiquitin protein ligase; plus strand). Cytogenetic location: 18q21.31.
Variant type: single nucleotide variant.
Coding change: c.2453A>T on transcript NM_001144967.3 (MANE Select); coding-DNA position 2453, A replaced by T.
Protein change: p.Asn818Ile; replaces asparagine 818 with isoleucine.
Molecular consequence: missense variant.
Genome position (GRCh38, 1-based): chr18:58,385,552, A>T. VCF-style: chr18-58385552-A-T. GRCh37 (hg19) VCF-style: chr18-56052784-A-T.
Other names: c.2090A>T, p.Asn697Ile (NM_001144964.1, NM_001144965.2, NM_001144966.3); c.2429A>T, p.Asn810Ile (NM_001144968.2); c.2369A>T, p.Asn790Ile (NM_001144969.2); c.2030A>T, p.Asn677Ile (NM_001144970.3, NM_001144971.2); c.2261A>T, p.Asn754Ile (NM_001243960.2); c.2393A>T, p.Asn798Ile (NM_015277.6); short protein forms N790I, N818I, N754I, N677I, N697I, N798I, N810I.
Identifiers: ClinVar variation 1348641 (VCV001348641.8), dbSNP rs2146788922, ClinGen allele CA402556288.
Genomic context (GRCh38, chr18:58,385,552, plus strand): 5'-AGGTGGTTCAATATTGTCCTCTTTTCTCCTGCAGCTTAGTCATCCAGTGGAGATTTGTGA[A>T]CAGGGTCCAGAAGCAGATGAACGCCTTCTTGGAGGTAAGCCATGCTGGCCAGGGTTCTCT-3'
Protein context (NP_001138439.1, residues 808-828): IDLVIQWRFV[Asn818Ile]RVQKQMNAFL

ClinVar aggregate classification (germline): Uncertain significance (1 of 4 stars; one submission).

Submission:

Labcorp Genetics (formerly Invitae), Labcorp
Classification: Uncertain significance. Last evaluated: 2023-08-17. Review status: criteria provided, single submitter. Criteria: Invitae Variant Classification Sherloc (09022015). Collection method: clinical testing. Allele origin: germline.
Comment: In summary, the available evidence is currently insufficient to determine the role of this variant in disease. Therefore, it has been classified as a Variant of Uncertain Significance. Advanced modeling of protein sequence and biophysical properties (such as structural, functional, and spatial information, amino acid conservation, physicochemical variation, residue mobility, and thermodynamic stability) performed at Invitae indicates that this missense variant is not expected to disrupt NEDD4L protein function. ClinVar contains an entry for this variant (Variation ID: 1348641). This variant has not been reported in the literature in individuals affected with NEDD4L-related conditions. This variant is not present in population databases (gnomAD no frequency). This sequence change replaces asparagine, which is neutral and polar, with isoleucine, which is neutral and non-polar, at codon 798 of the NEDD4L protein (p.Asn798Ile).